The following is an entry in ClinVar:

NM_000057.4(BLM):c.427T>A (p.Ser143Thr)

Gene: BLM (BLM RecQ like helicase; plus strand). Cytogenetic location: 15q26.1.
Variant type: single nucleotide variant.
Coding change: c.427T>A on transcript NM_000057.4 (MANE Select); coding-DNA position 427, T replaced by A.
Protein change: p.Ser143Thr; replaces serine 143 with threonine.
Molecular consequence: missense variant. On other transcripts: 5 prime UTR variant (1).
Genome position (GRCh38, 1-based): chr15:90,749,695, T>A. VCF-style: chr15-90749695-T-A. GRCh37 (hg19) VCF-style: chr15-91292925-T-A.
Other names: c.427T>A, p.Ser143Thr (NM_001287246.2, NM_001287247.2); c.-865T>A (NM_001287248.2); short protein forms S143T.
Identifiers: ClinVar variation 4835864 (VCV004835864.1).

ClinVar aggregate classification (germline): Uncertain significance (1 of 4 stars; one submission).

Conditions:
Hereditary cancer-predisposing syndrome. Also called: Neoplastic Syndromes, Hereditary; Tumor predisposition; Hereditary Cancer Syndrome; Hereditary neoplastic syndrome. Identifiers: Orphanet 140162, MedGen C0027672, MeSH D009386, MONDO:0015356.

Submission:

Ambry Genetics
Classification: Uncertain significance for Hereditary cancer-predisposing syndrome. Last evaluated: 2025-12-19. Review status: criteria provided, single submitter. Criteria: Ambry Variant Classification Scheme 2023. Collection method: clinical testing. Allele origin: germline.
Comment: The p.S143T variant (also known as c.427T>A), located in coding exon 2 of the BLM gene, results from a T to A substitution at nucleotide position 427. The serine at codon 143 is replaced by threonine, an amino acid with similar properties. This amino acid position is conserved. In addition, this alteration is predicted to be tolerated by in silico analysis. Based on the available evidence, the clinical significance of this variant remains unclear.